The following is an entry in ClinVar:

NM_002206.3(ITGA7):c.2851G>A (p.Ala951Thr)

Gene: ITGA7 (integrin subunit alpha 7; minus strand). Cytogenetic location: 12q13.2.
Variant type: single nucleotide variant.
Coding change: c.2851G>A on transcript NM_002206.3 (MANE Select); coding-DNA position 2851, G replaced by A.
Protein change: p.Ala951Thr; replaces alanine 951 with threonine.
Molecular consequence: missense variant.
Genome position (GRCh38, 1-based): chr12:55,688,951, C>T on the plus strand (G>A on the coding strand, the complement: ITGA7 is on the minus strand). VCF-style: chr12-55688951-C-T. GRCh37 (hg19) VCF-style: chr12-56082735-C-T.
Other names: c.2863G>A, p.Ala955Thr (NM_001144996.2); c.2572G>A, p.Ala858Thr (NM_001144997.2); c.2524G>A, p.Ala842Thr (NM_001367993.1); c.1507G>A, p.Ala503Thr (NM_001367994.1); c.2833G>A, p.Ala945Thr (NM_001374465.1); c.2983G>A, p.Ala995Thr (NM_001410977.1); c.2845G>A, p.Ala949Thr (NM_001414029.1); c.2776G>A, p.Ala926Thr (NM_001414030.1); and 5 more; short protein forms A951T, A858T, A955T, A842T, A503T, A945T, A995T, A838T.
Identifiers: ClinVar variation 470576 (VCV000470576.9), dbSNP rs778278404, ClinGen allele CA6615431.

ClinVar aggregate classification (germline): Uncertain significance. Review status: criteria provided, multiple submitters, no conflicts (2 of 4 stars). 2 submissions from 2 submitters: Uncertain significance (2). Last evaluated 2025-10-23.

Conditions:
Congenital muscular dystrophy due to integrin alpha-7 deficiency. Also called: Congenital muscular dystrophy with integrin alpha-7 deficiency; Muscular dystrophy, congenital, due to ITGA7 deficiency; MYOPATHY, CONGENITAL, DUE TO INTEGRIN ALPHA-7 DEFICIENCY. Identifiers: Orphanet 34520, MedGen C2750786, MONDO:0013177, OMIM 613204.

Allele frequency attached by ClinVar (database versions not stated): gnomAD exomes below 0.00001; TOPMed below 0.00001; ExAC 0.00001; gnomAD 0.00001.
gnomAD v4.1: 9 of 1,613,510 alleles (0.00056%); highest among the groups gnomAD compares: African/African-American, 0.0027%; no homozygotes.

Submissions (2):

Ambry Genetics
Classification: Uncertain significance. Last evaluated: 2025-10-23. Review status: criteria provided, single submitter. Criteria: Ambry Variant Classification Scheme 2023. Collection method: clinical testing. Allele origin: germline.

Labcorp Genetics (formerly Invitae), Labcorp
Classification: Uncertain significance for Congenital muscular dystrophy due to integrin alpha-7 deficiency. Last evaluated: 2022-07-05. Review status: criteria provided, single submitter. Criteria: Invitae Variant Classification Sherloc (09022015). Collection method: clinical testing. Allele origin: germline.
Comment: This sequence change replaces alanine, which is neutral and non-polar, with threonine, which is neutral and polar, at codon 951 of the ITGA7 protein (p.Ala951Thr). This variant is present in population databases (rs778278404, gnomAD 0.0009%). This variant has not been reported in the literature in individuals affected with ITGA7-related conditions. ClinVar contains an entry for this variant (Variation ID: 470576). Algorithms developed to predict the effect of missense changes on protein structure and function output the following: SIFT: "Tolerated"; PolyPhen-2: "Benign"; Align-GVGD: "Class C0". The threonine amino acid residue is found in multiple mammalian species, which suggests that this missense change does not adversely affect protein function. In summary, the available evidence is currently insufficient to determine the role of this variant in disease. Therefore, it has been classified as a Variant of Uncertain Significance.